The following is an entry in ClinVar:

ClinVar aggregate classification (germline): Pathogenic/Likely pathogenic. Review status: criteria provided, multiple submitters, no conflicts (2 of 4 stars). 2 submissions from 2 submitters: Pathogenic (1); Likely pathogenic (1). Last evaluated 2025-07-31.

Conditions:
Familial dysautonomia. Also called: HSAN III; FD. Identifiers: Orphanet 1764, MedGen C0013364, MONDO:0009131, OMIM 223900. Disease mechanism: loss of function.

Allele frequency attached by ClinVar (database versions not stated): gnomAD exomes 0.00002.

Submissions (2):

Natera, Inc.
Classification: Likely pathogenic for Familial dysautonomia. Last evaluated: 2025-07-31. Review status: criteria provided, single submitter. Criteria: Natera Variant Classification Schema (03/2026). Collection method: clinical testing. Allele origin: germline.
Comment: The c.3291C>G variant in ELP1 is a nonsense variant predicted to introduce a stop codon at amino acid 1097. This variant is expected to result in nonsense mediated decay, truncation, or a dysfunctional protein product. This variant is rare in the general population with a frequency below the threshold expected for the associated phenotype(s). Given the available evidence, this variant is classified as Likely Pathogenic.

Labcorp Genetics (formerly Invitae), Labcorp
Classification: Pathogenic. Last evaluated: 2023-05-31. Review status: criteria provided, single submitter. Criteria: Invitae Variant Classification Sherloc (09022015). Collection method: clinical testing. Allele origin: germline.
Comment: This variant has not been reported in the literature in individuals affected with ELP1-related conditions. ClinVar contains an entry for this variant (Variation ID: 1452982). For these reasons, this variant has been classified as Pathogenic. This sequence change creates a premature translational stop signal (p.Tyr1097*) in the ELP1 gene. It is expected to result in an absent or disrupted protein product. Loss-of-function variants in ELP1 are known to be pathogenic (PMID: 18303054, 24173031). This variant is not present in population databases (gnomAD no frequency).

Literature cited by the submitters: PubMed 18303054 (cited by Labcorp Genetics (formerly Invitae), Labcorp); PubMed 24173031 (cited by Labcorp Genetics (formerly Invitae), Labcorp).

NM_003640.5(ELP1):c.3291C>G (p.Tyr1097Ter)

Gene: ELP1 (elongator acetyltransferase complex subunit 1; minus strand). Cytogenetic location: 9q31.3.
Variant type: single nucleotide variant.
Coding change: c.3291C>G on transcript NM_003640.5 (MANE Select); coding-DNA position 3291, C replaced by G.
Protein change: p.Tyr1097Ter; replaces tyrosine 1097 with a stop codon.
Molecular consequence: nonsense.
Genome position (GRCh38, 1-based): chr9:108,881,760, G>C on the plus strand (C>G on the coding strand, the complement: ELP1 is on the minus strand). VCF-style: chr9-108881760-G-C. GRCh37 (hg19) VCF-style: chr9-111644040-G-C.
Other names: c.3291C>G (NM_003640.4); c.2949C>G, p.Tyr983Ter (NM_001318360.2); c.2244C>G, p.Tyr748Ter (NM_001330749.2); short protein forms Y983*, Y1097*, Y748*.
Identifiers: ClinVar variation 1452982 (VCV001452982.7), dbSNP rs924743948, ClinGen allele CA197522215.